The following is an entry in ClinVar:

NM_003579.4(RAD54L):c.207G>C (p.Gln69His)

Gene: RAD54L (RAD54 like; plus strand). Cytogenetic location: 1p34.1.
Variant type: single nucleotide variant.
Coding change: c.207G>C on transcript NM_003579.4 (MANE Select); coding-DNA position 207, G replaced by C.
Protein change: p.Gln69His; replaces glutamine 69 with histidine.
Molecular consequence: missense variant. On other transcripts: 5 prime UTR variant (1).
Genome position (GRCh38, 1-based): chr1:46,250,116, G>C. VCF-style: chr1-46250116-G-C. GRCh37 (hg19) VCF-style: chr1-46715788-G-C.
Other names: c.207G>C, p.Gln69His (NM_001142548.2); c.-334G>C (NM_001370766.1); short protein forms Q69H.
Identifiers: ClinVar variation 3429791 (VCV003429791.1).

ClinVar aggregate classification (germline): Uncertain significance (1 of 4 stars; one submission).

Submission:

Ambry Genetics
Classification: Uncertain significance. Last evaluated: 2024-07-05. Review status: criteria provided, single submitter. Criteria: Ambry Variant Classification Scheme 2023. Collection method: clinical testing. Allele origin: germline.
Comment: The p.Q69H variant (also known as c.207G>C), located in coding exon 3 of the RAD54L gene, results from a G to C substitution at nucleotide position 207. The glutamine at codon 69 is replaced by histidine, an amino acid with highly similar properties. This amino acid position is conserved. In addition, this alteration is predicted to be tolerated by in silico analysis. Based on the available evidence, the clinical significance of this variant remains unclear.